The following is an entry in ClinVar:

NM_002872.5(RAC2):c.521G>A (p.Arg174Gln)

Gene: RAC2 (Rac family small GTPase 2; minus strand). Cytogenetic location: 22q13.1.
Variant type: single nucleotide variant.
Coding change: c.521G>A on transcript NM_002872.5 (MANE Select); coding-DNA position 521, G replaced by A.
Protein change: p.Arg174Gln; replaces arginine 174 with glutamine.
Molecular consequence: missense variant.
Genome position (GRCh38, 1-based): chr22:37,226,731, C>T on the plus strand (G>A on the coding strand, the complement: RAC2 is on the minus strand). VCF-style: chr22-37226731-C-T. GRCh37 (hg19) VCF-style: chr22-37622771-C-T.
Other names: short protein forms R174Q.
Identifiers: ClinVar variation 2770774 (VCV002770774.3), dbSNP rs542730360, ClinGen allele CA10217467.

ClinVar aggregate classification (germline): Uncertain significance (1 of 4 stars; one submission).

Conditions:
Neutrophil immunodeficiency syndrome. Also called: Immunodeficiency 73A with defective neutrophil chemotaxis and leukocytosis. Identifiers: Orphanet 183707, MedGen C1842398, MONDO:0011988, OMIM 608203.

Allele frequency attached by ClinVar (database versions not stated): gnomAD 0.00001; 1000 Genomes Project 30x 0.00016; 1000 Genomes Project 0.00020.
gnomAD v4.1: 2 of 1,613,064 alleles (0.00012%); highest among the groups gnomAD compares: East Asian, 0.0022%; no homozygotes.

Submission:

Labcorp Genetics (formerly Invitae), Labcorp
Classification: Uncertain significance for Neutrophil immunodeficiency syndrome. Last evaluated: 2023-10-30. Review status: criteria provided, single submitter. Criteria: Invitae Variant Classification Sherloc (09022015). Collection method: clinical testing. Allele origin: germline.
Comment: This sequence change replaces arginine, which is basic and polar, with glutamine, which is neutral and polar, at codon 174 of the RAC2 protein (p.Arg174Gln). This variant is present in population databases (rs542730360, gnomAD 0.006%). This variant has not been reported in the literature in individuals affected with RAC2-related conditions. Advanced modeling of protein sequence and biophysical properties (such as structural, functional, and spatial information, amino acid conservation, physicochemical variation, residue mobility, and thermodynamic stability) performed at Invitae indicates that this missense variant is not expected to disrupt RAC2 protein function with a negative predictive value of 95%. In summary, the available evidence is currently insufficient to determine the role of this variant in disease. Therefore, it has been classified as a Variant of Uncertain Significance.